The following is an entry in ClinVar:

ClinVar aggregate classification (germline): Uncertain significance (1 of 4 stars; one submission).

Conditions:
Hereditary factor XI deficiency disease. Also called: PLASMA THROMBOPLASTIN ANTECEDENT DEFICIENCY; PTA DEFICIENCY; ROSENTHAL SYNDROME; Congenital factor XI deficiency. Identifiers: Orphanet 329, MedGen C0015523, MeSH D005173, MONDO:0012897, OMIM 612416.

gnomAD v4.1: 2 of 1,614,104 alleles (0.00012%); highest among the groups gnomAD compares: Admixed American, 0.0017%; no homozygotes.

Submission:

Juno Genomics, Hangzhou Juno Genomics, Inc
Classification: Uncertain significance for Hereditary factor XI deficiency disease. Review status: criteria provided, single submitter. Criteria: ACMG Guidelines, 2015. Collection method: clinical testing. Allele origin: germline. Affected: yes.
Comment: Absent from controls (or at extremely low frequency if recessive) in Genome Aggregation Database, Exome Sequencing Project, 1000 Genomes Project, or Exome Aggregation Consortium.;Multiple lines of computational evidence suggest no impact on gene or gene product (conservation, evolutionary, splicing impact, etc).;For recessive disorders, detected in trans with a pathogenic variant.

NM_000128.4(F11):c.896C>G (p.Thr299Ser)

Gene: F11 (coagulation factor XI; plus strand). Cytogenetic location: 4q35.2.
Variant type: single nucleotide variant.
Coding change: c.896C>G on transcript NM_000128.4 (MANE Select); coding-DNA position 896, C replaced by G.
Protein change: p.Thr299Ser; replaces threonine 299 with serine.
Molecular consequence: missense variant.
Genome position (GRCh38, 1-based): chr4:186,280,253, C>G. VCF-style: chr4-186280253-C-G. GRCh37 (hg19) VCF-style: chr4-187201407-C-G.
Other names: short protein forms T299S.
Identifiers: ClinVar variation 3381856 (VCV003381856.2).
Genomic context (GRCh38, chr4:186,280,253, plus strand): 5'-TCTCACTCTGACATGTGGTCTGCTGTCTAGTGTTCTGCCATTCTTCATTTTACCATGACA[C>G]TGATTTCTTGGGAGAAGAACTGGATATTGTTGCTGCAAAAAGTCACGAGGCCTGCCAGAA-3'
Protein context (NP_000119.1, residues 289-309): VFCHSSFYHD[Thr299Ser]DFLGEELDIV